The following is an entry in ClinVar:

ClinVar aggregate classification (germline): Conflicting classifications of pathogenicity. Review status: criteria provided, conflicting classifications (1 of 4 stars). 2 submissions from 2 submitters: Uncertain significance (1); Likely benign (1). Last evaluated 2024-05-16.

Allele frequency attached by ClinVar (database versions not stated): gnomAD 0.00007; gnomAD exomes 0.00009; TOPMed 0.00012; ExAC 0.00020; ESP Exome Variant Server 0.00038.
gnomAD v4.1: 109 of 1,203,559 alleles (0.0091%); highest among the groups gnomAD compares: Admixed American, 0.018%; no homozygotes.

Submissions (2):

Ambry Genetics
Classification: Uncertain significance. Last evaluated: 2024-05-16. Review status: criteria provided, single submitter. Criteria: Ambry Variant Classification Scheme 2023. Collection method: clinical testing. Allele origin: germline.

CeGaT Center for Human Genetics Tuebingen
Classification: Likely benign. Last evaluated: 2022-11-01. Review status: criteria provided, single submitter. Criteria: CeGaT Center For Human Genetics Tuebingen Variant Classification Criteria Version 2. Collection method: clinical testing. Allele origin: germline. Affected: yes. Observed: 1 variant allele.
Comment: PLXNB3: BP4, BS2

NM_005393.3(PLXNB3):c.374G>A (p.Arg125His)

Gene: PLXNB3 (plexin B3; plus strand). Cytogenetic location: Xq28.
Variant type: single nucleotide variant.
Coding change: c.374G>A on transcript NM_005393.3 (MANE Select); coding-DNA position 374, G replaced by A.
Protein change: p.Arg125His; replaces arginine 125 with histidine.
Molecular consequence: missense variant.
Genome position (GRCh38, 1-based): chrX:153,767,201, G>A. VCF-style: chrX-153767201-G-A. GRCh37 (hg19) VCF-style: chrX-153032656-G-A.
Other names: c.443G>A, p.Arg148His (NM_001163257.2); short protein forms R125H, R148H.
Identifiers: ClinVar variation 2370885 (VCV002370885.27), dbSNP rs368428119, ClinGen allele CA10550538.